The following is an entry in ClinVar:

ClinVar aggregate classification (germline): Uncertain significance. Review status: criteria provided, multiple submitters, no conflicts (2 of 4 stars). 2 submissions from 2 submitters: Uncertain significance (2). Last evaluated 2025-11-05.

Conditions:
Inborn genetic diseases. Identifiers: MedGen C0950123, MeSH D030342.

Submissions (2):

Ambry Genetics
Classification: Uncertain significance for Inborn genetic diseases. Last evaluated: 2025-11-05. Review status: criteria provided, single submitter. Criteria: Ambry Variant Classification Scheme 2023. Collection method: clinical testing. Allele origin: germline.

Labcorp Genetics (formerly Invitae), Labcorp
Classification: Uncertain significance. Last evaluated: 2022-05-29. Review status: criteria provided, single submitter. Criteria: Invitae Variant Classification Sherloc (09022015). Collection method: clinical testing. Allele origin: germline.
Comment: This sequence change replaces serine, which is neutral and polar, with asparagine, which is neutral and polar, at codon 539 of the AGBL5 protein (p.Ser539Asn). This variant is not present in population databases (gnomAD no frequency). This variant has not been reported in the literature in individuals affected with AGBL5-related conditions. Algorithms developed to predict the effect of missense changes on protein structure and function (SIFT, PolyPhen-2, Align-GVGD) all suggest that this variant is likely to be tolerated. In summary, the available evidence is currently insufficient to determine the role of this variant in disease. Therefore, it has been classified as a Variant of Uncertain Significance.

NM_021831.6(AGBL5):c.1616G>A (p.Ser539Asn)

Gene: AGBL5 (AGBL carboxypeptidase 5; plus strand). Cytogenetic location: 2p23.3.
Variant type: single nucleotide variant.
Coding change: c.1616G>A on transcript NM_021831.6 (MANE Select); coding-DNA position 1616, G replaced by A.
Protein change: p.Ser539Asn; replaces serine 539 with asparagine.
Molecular consequence: missense variant. On other transcripts: non-coding transcript variant (2).
Genome position (GRCh38, 1-based): chr2:27,057,383, G>A. VCF-style: chr2-27057383-G-A. GRCh37 (hg19) VCF-style: chr2-27280251-G-A.
Other names: c.1616G>A, p.Ser539Asn (NM_001035506.1, NM_001035507.3); c.1616G>A (NM_021831.5); short protein forms S539N.
Identifiers: ClinVar variation 1968767 (VCV001968767.6), dbSNP rs2465479667, ClinGen allele CA346184053.
Genomic context (GRCh38, chr2:27,057,383, plus strand): 5'-ACAACACTGGACGCTCAGTAAACAGCATCCCTGCTGCCTGCCATGACAATGGGCGTGCCA[G>A]CCCCCCTCCCCCGCCGGCTTTCCCCTCCAGATACACTGTGGAACTATTTGAGCAGGTATG-3'
Protein context (NP_068603.4, residues 529-549): PAACHDNGRA[Ser539Asn]PPPPPAFPSR